The following is an entry in ClinVar:

NM_002427.4(MMP13):c.575G>T (p.Gly192Val)

Gene: MMP13 (matrix metallopeptidase 13; minus strand). Cytogenetic location: 11q22.2.
Variant type: single nucleotide variant.
Coding change: c.575G>T on transcript NM_002427.4 (MANE Select); coding-DNA position 575, G replaced by T.
Protein change: p.Gly192Val; replaces glycine 192 with valine.
Molecular consequence: missense variant.
Genome position (GRCh38, 1-based): chr11:102,954,218, C>A on the plus strand (G>T on the coding strand, the complement: MMP13 is on the minus strand). VCF-style: chr11-102954218-C-A. GRCh37 (hg19) VCF-style: chr11-102824947-C-A.
Other names: short protein forms G192V.
Identifiers: ClinVar variation 3616357 (VCV003616357.2).
Genomic context (GRCh38, chr11:102,954,218, plus strand): 5'-TTGGAACTACTTGTCCAGGTTTCATCATCATCAAAATGGGCATCTCCTCCATAATTTGGC[C>A]CAGGAGGAAAAGCATGAGCCAGCAGGCCAGAGGGCCCATCAAATGGGTAGAAGTCGCCAT-3'
Protein context (NP_002418.1, residues 182-202): SGLLAHAFPP[Gly192Val]PNYGGDAHFD

ClinVar aggregate classification (germline): Uncertain significance (1 of 4 stars; one submission).

Submission:

Labcorp Genetics (formerly Invitae), Labcorp
Classification: Uncertain significance. Last evaluated: 2024-03-29. Review status: criteria provided, single submitter. Criteria: Invitae Variant Classification Sherloc (09022015). Collection method: clinical testing. Allele origin: germline.
Comment: This sequence change replaces glycine, which is neutral and non-polar, with valine, which is neutral and non-polar, at codon 192 of the MMP13 protein (p.Gly192Val). This variant is not present in population databases (gnomAD no frequency). This variant has not been reported in the literature in individuals affected with MMP13-related conditions. Advanced modeling of protein sequence and biophysical properties (such as structural, functional, and spatial information, amino acid conservation, physicochemical variation, residue mobility, and thermodynamic stability) performed at Invitae indicates that this missense variant is expected to disrupt MMP13 protein function with a positive predictive value of 80%. In summary, the available evidence is currently insufficient to determine the role of this variant in disease. Therefore, it has been classified as a Variant of Uncertain Significance.